The following is an entry in ClinVar:

NM_000329.3(RPE65):c.842C>G (p.Ser281Cys)

Gene: RPE65 (retinoid isomerohydrolase RPE65; minus strand). Cytogenetic location: 1p31.3.
Variant type: single nucleotide variant.
Coding change: c.842C>G on transcript NM_000329.3 (MANE Select); coding-DNA position 842, C replaced by G.
Protein change: p.Ser281Cys; replaces serine 281 with cysteine.
Molecular consequence: missense variant.
Genome position (GRCh38, 1-based): chr1:68,439,207, G>C on the plus strand (C>G on the coding strand, the complement: RPE65 is on the minus strand). VCF-style: chr1-68439207-G-C. GRCh37 (hg19) VCF-style: chr1-68904890-G-C.
Other names: short protein forms S281C.
Identifiers: ClinVar variation 1525072 (VCV001525072.3), dbSNP rs753656894, ClinGen allele CA902384.

ClinVar aggregate classification (germline): Uncertain significance (1 of 4 stars; one submission).

Conditions:
Retinitis pigmentosa 20 (RP20). Identifiers: Orphanet 791, MedGen C3151086, MONDO:0013425, OMIM 613794.
Leber congenital amaurosis 2 (LCA2). Also called: AMAUROSIS CONGENITA OF LEBER II; Autosomal Recessive RPE65-Related Retinal Degeneration. Identifiers: Orphanet 65, MedGen C1859844, MONDO:0008765, OMIM 204100. Disease mechanism: loss of function.

Allele frequency attached by ClinVar (database versions not stated): ExAC 0.00001; gnomAD exomes 0.00003.
gnomAD v4.1: 7 of 1,613,958 alleles (0.00043%); highest among the groups gnomAD compares: Admixed American, 0.012%; no homozygotes.

Submission:

Labcorp Genetics (formerly Invitae), Labcorp
Classification: Uncertain significance for Leber congenital amaurosis 2; Retinitis pigmentosa 20. Last evaluated: 2022-07-06. Review status: criteria provided, single submitter. Criteria: Invitae Variant Classification Sherloc (09022015). Collection method: clinical testing. Allele origin: germline.
Comment: This sequence change replaces serine, which is neutral and polar, with cysteine, which is neutral and slightly polar, at codon 281 of the RPE65 protein (p.Ser281Cys). This variant is present in population databases (rs753656894, gnomAD 0.02%). This variant has not been reported in the literature in individuals affected with RPE65-related conditions. ClinVar contains an entry for this variant (Variation ID: 1525072). Algorithms developed to predict the effect of missense changes on protein structure and function are either unavailable or do not agree on the potential impact of this missense change (SIFT: "Tolerated"; PolyPhen-2: "Probably Damaging"; Align-GVGD: "Class C0"). In summary, the available evidence is currently insufficient to determine the role of this variant in disease. Therefore, it has been classified as a Variant of Uncertain Significance.